The following is an entry in ClinVar:

NM_080424.4(SP110):c.3G>A (p.Met1Ile)

Genes: SP110 (SP110 nuclear body protein; minus strand), SP140 (SP140 nuclear body protein; plus strand). Cytogenetic location: 2q37.1.
Variant type: single nucleotide variant.
Coding change: c.3G>A on transcript NM_080424.4 (MANE Select); coding-DNA position 3, G replaced by A.
Protein change: p.Met1Ile; changes the start codon (methionine 1).
Molecular consequence: missense variant, initiator codon variant.
Genome position (GRCh38, 1-based): chr2:230,216,925, C>T on the plus strand (G>A on the coding strand, the complement: SP110 is on the minus strand). VCF-style: chr2-230216925-C-T. GRCh37 (hg19) VCF-style: chr2-231081640-C-T.
Other names: c.3G>A (NM_004509.3); c.21G>A, p.Met7Ile (NM_001185015.2, NM_001378442.1, NM_001378444.1 and 2 more transcripts); c.3G>A, p.Met1Ile (NM_001378443.1, NM_001378447.1, NM_004509.5 and 1 more transcripts); short protein forms M1I, M7I.
Identifiers: ClinVar variation 2445889 (VCV002445889.2), dbSNP rs2470105623, ClinGen allele CA350919215.
Genomic context (GRCh38, chr2:230,216,925, plus strand): 5'-CAGCTTCTGGTGCATGAAGTGCTGAAAAAGAGCCTCTTCCATGGCTCTTGTCATGGTGAA[C>T]ATCCTATGGAAAGAGGCATGATAAAAAATAGAAGCAAAGGCTGGGCGCGGTGGCTCATGC-3'
Protein context (NP_536349.3, residues 1-11): [Met1Ile]FTMTRAMEEA

ClinVar aggregate classification (germline): Uncertain significance (1 of 4 stars; one submission).

Submission:

Women's Health and Genetics/Laboratory Corporation of America, LabCorp
Classification: Uncertain significance. Last evaluated: 2023-02-17. Review status: criteria provided, single submitter. Criteria: LabCorp Variant Classification Summary - May 2015. Collection method: clinical testing. Allele origin: germline.
Comment: Variant summary: SP110 c.3G>A (p.Met1Ile) alters the initiation codon and is predicted to result in truncation of the encoded protein due to translation initiation at a downstream codon. The variant was absent in 249750 control chromosomes. An alternative downstream in-frame start codon (Met3) is located in the encoded protein. The available data on variant occurrences in the general population are insufficient to allow any conclusion about variant significance. To our knowledge, no occurrence of c.3G>A in individuals affected with Hepatic Venoocclusive Disease With Immunodeficiency and no experimental evidence demonstrating its impact on protein function have been reported. No clinical diagnostic laboratories have submitted clinical-significance assessments for this variant to ClinVar after 2014. Based on the evidence outlined above, the variant was classified as uncertain significance.